The following is an entry in ClinVar:

NM_020791.4(TAOK1):c.2092C>T (p.Arg698Ter)

Gene: TAOK1 (TAO kinase 1; plus strand). Cytogenetic location: 17q11.2.
Variant type: single nucleotide variant.
Coding change: c.2092C>T on transcript NM_020791.4 (MANE Select); coding-DNA position 2092, C replaced by T.
Protein change: p.Arg698Ter; replaces arginine 698 with a stop codon.
Molecular consequence: nonsense. On other transcripts: intron variant (1).
Genome position (GRCh38, 1-based): chr17:29,522,463, C>T. VCF-style: chr17-29522463-C-T. GRCh37 (hg19) VCF-style: chr17-27849481-C-T.
Other names: c.2092C>T (NM_020791.2); c.1705-7944C>T (NM_025142.1); short protein forms R698*.
Identifiers: ClinVar variation 1333401 (VCV001333401.3), dbSNP rs758340709, ClinGen allele CA398911687.

ClinVar aggregate classification (germline): Pathogenic. Review status: criteria provided, multiple submitters, no conflicts (2 of 4 stars). 2 submissions from 2 submitters: Pathogenic (2). Last evaluated 2026-05-19.

Conditions:
Inborn genetic diseases. Identifiers: MedGen C0950123, MeSH D030342.
Developmental delay with or without intellectual impairment or behavioral abnormalities. Identifiers: MedGen C5562004, MONDO:0859199, OMIM 619575.

Submissions (2):

Ambry Genetics
Classification: Pathogenic for Inborn genetic diseases. Last evaluated: 2026-05-19. Review status: criteria provided, single submitter. Criteria: Ambry Variant Classification Scheme 2023. Collection method: clinical testing. Allele origin: germline.
Comment: The c.2092C>T (p.R698*) alteration, located in exon 17 (coding exon 16) of the TAOK1 gene, consists of a C to T substitution at nucleotide position 2092. This changes the amino acid from a arginine (R) to a stop codon at amino acid position 698. This variant is expected to result in loss of function by premature protein truncation or nonsense-mediated mRNA decay. This variant was not reported in population-based cohorts in the Genome Aggregation Database (gnomAD). This variant was reported in individual(s) with features consistent with TAOK1-related neurodevelopmental disorder; in at least one individual, it was determined to be de novo (Elkhateeb, 2025). Based on the available evidence, this alteration is classified as pathogenic.

3billion
Classification: Pathogenic for Developmental delay with or without intellectual impairment or behavioral abnormalities. Last evaluated: 2025-09-24. Review status: criteria provided, single submitter. Criteria: ACMG Guidelines, 2015. Collection method: clinical testing. Allele origin: germline. Affected: yes.
Comment: The variant is not observed in the gnomAD v4.1.0 dataset. Predicted Consequence/Location: Stop-gained (nonsense): predicted to result in a loss or disruption of normal protein function through nonsense-mediated decay (NMD) or protein truncation. Multiple pathogenic variants are reported downstream of the variant. The variant has been reported to be associated with TAOK1-related disorder (ClinVar ID: VCV001333401 /3billion dataset). Therefore, this variant is classified as Pathogenic according to the recommendation of ACMG/AMP guideline.

Literature cited by the submitters: PubMed 39737487 (cited by Ambry Genetics).